The following is an entry in ClinVar:

ClinVar aggregate classification (germline): Uncertain significance (1 of 4 stars; one submission).

Submission:

Ambry Genetics
Classification: Uncertain significance. Last evaluated: 2022-10-04. Review status: criteria provided, single submitter. Criteria: Ambry Variant Classification Scheme 2023. Collection method: clinical testing. Allele origin: germline.
Comment: The p.V252M variant (also known as c.754G>A), located in coding exon 4 of the GALNT12 gene, results from a G to A substitution at nucleotide position 754. The valine at codon 252 is replaced by methionine, an amino acid with highly similar properties. This amino acid position is conserved. In addition, this alteration is predicted to be deleterious by in silico analysis. Since supporting evidence is limited at this time, the clinical significance of this alteration remains unclear.

NM_024642.5(GALNT12):c.754G>A (p.Val252Met)

Gene: GALNT12 (polypeptide N-acetylgalactosaminyltransferase 12; plus strand). Cytogenetic location: 9q22.33.
Variant type: single nucleotide variant.
Coding change: c.754G>A on transcript NM_024642.5 (MANE Select); coding-DNA position 754, G replaced by A.
Protein change: p.Val252Met; replaces valine 252 with methionine.
Molecular consequence: missense variant.
Genome position (GRCh38, 1-based): chr9:98,831,794, G>A. VCF-style: chr9-98831794-G-A. GRCh37 (hg19) VCF-style: chr9-101594076-G-A.
Other names: short protein forms V252M.
Identifiers: ClinVar variation 1759478 (VCV001759478.2), dbSNP rs2490517158, ClinGen allele CA374217935.
Genomic context (GRCh38, chr9:98,831,794, plus strand): 5'-GCATAGGAGAGACGGATGGATGTCTTGGGTGCTTTCAGGATCCATGAAGAGGAGTCGGCA[G>A]TGGTGTGCCCGGTGATTGATGTGATCGACTGGAACACCTTCGAATACCTGGGGAACTCCG-3'
Protein context (NP_078918.3, residues 242-262): LQRIHEEESA[Val252Met]VCPVIDVIDW